The following is an entry in ClinVar:

NM_001999.4(FBN2):c.5548G>A (p.Asp1850Asn)

Gene: FBN2 (fibrillin 2; minus strand). Cytogenetic location: 5q23.3.
Variant type: single nucleotide variant.
Coding change: c.5548G>A on transcript NM_001999.4 (MANE Select); coding-DNA position 5548, G replaced by A.
Protein change: p.Asp1850Asn; replaces aspartic acid 1850 with asparagine.
Molecular consequence: missense variant.
Genome position (GRCh38, 1-based): chr5:128,305,823, C>T on the plus strand (G>A on the coding strand, the complement: FBN2 is on the minus strand). VCF-style: chr5-128305823-C-T. GRCh37 (hg19) VCF-style: chr5-127641515-C-T.
Other names: short protein forms D1850N.
Identifiers: ClinVar variation 2832072 (VCV002832072.3), dbSNP rs1336552018, ClinGen allele CA360740697.
Genomic context (GRCh38, chr5:128,305,823, plus strand): 5'-TAAATGCTATATATGTATACCAAATTATACTGGATAAAGGACATACTTTATTCAGATTAC[C>T]TTCACAAACCAACAGCAGGTCATTGTAACTGAATCCTGTAGGGCATTCACAGCGGAAACT-3'
Protein context (NP_001990.2, residues 1840-1860): SYNDLLLVCE[Asp1850Asn]IDECSNGDNL

ClinVar aggregate classification (germline): Uncertain significance (1 of 4 stars; one submission).

Conditions:
Congenital contractural arachnodactyly (CCA). Also called: BEALS SYNDROME; Beals-Hecht syndrome; Arthrogryposis, distal, type 9. Identifiers: Orphanet 115, MedGen C0220668, MONDO:0007363, OMIM 121050.

Allele frequency attached by ClinVar (database versions not stated): gnomAD exomes below 0.00001.
gnomAD v4.1: 1 of 1,613,916 alleles (0.000062%); highest among the groups gnomAD compares: Admixed American, 0.0017%; no homozygotes.

Submission:

Labcorp Genetics (formerly Invitae), Labcorp
Classification: Uncertain significance for Congenital contractural arachnodactyly. Last evaluated: 2023-01-26. Review status: criteria provided, single submitter. Criteria: Invitae Variant Classification Sherloc (09022015). Collection method: clinical testing. Allele origin: germline.
Comment: In summary, the available evidence is currently insufficient to determine the role of this variant in disease. Therefore, it has been classified as a Variant of Uncertain Significance. Variants that disrupt the consensus splice site are a relatively common cause of aberrant splicing (PMID: 17576681, 9536098). Algorithms developed to predict the effect of sequence changes on RNA splicing suggest that this variant may disrupt the consensus splice site. Algorithms developed to predict the effect of missense changes on protein structure and function are either unavailable or do not agree on the potential impact of this missense change (SIFT: "Tolerated"; PolyPhen-2: "Probably Damaging"; Align-GVGD: "Class C0"). This variant has not been reported in the literature in individuals affected with FBN2-related conditions. This variant is present in population databases (no rsID available, gnomAD 0.003%). This sequence change replaces aspartic acid, which is acidic and polar, with asparagine, which is neutral and polar, at codon 1850 of the FBN2 protein (p.Asp1850Asn). This variant also falls at the last nucleotide of exon 43, which is part of the consensus splice site for this exon.

Literature cited by the submitters: PubMed 17576681; PubMed 9536098.